The following is an entry in ClinVar:

ClinVar aggregate classification (germline): Uncertain significance (1 of 4 stars; one submission).

Submission:

GeneDx
Classification: Uncertain significance. Last evaluated: 2024-12-20. Review status: criteria provided, single submitter. Criteria: GeneDx Variant Classification Process June 2021. Collection method: clinical testing. Allele origin: germline. Affected: yes.
Comment: Reported using an alternate transcript of the gene; Frameshift variant predicted to result in abnormal protein length as the last 783 amino acids are replaced with 1 different amino acid; Not observed at significant frequency in large population cohorts (gnomAD); Has not been previously published as pathogenic or benign to our knowledge

NM_001267550.2(TTN):c.11311+5183AC[2]

Genes: TTN (titin; minus strand), LOC126806432 (CDK7 strongly-dependent group 2 enhancer GRCh37_chr2:179611985-179613184; plus strand). Cytogenetic location: 2q31.2.
Variant type: Microsatellite.
Coding change: c.11311+5183AC[2] on transcript NM_001267550.2 (MANE Select); two copies in a row of the 2-base unit AC starting at c.11311+5183; the reference has three copies in a row; one copy, 2 bases deleted.
Molecular consequence: intron variant. On other transcripts: frameshift variant (1).
Genome position (GRCh38, 1-based): chr2:178,747,936-178,747,937, GT deleted on the plus strand (AC on the coding strand, the reverse complement: TTN is on the minus strand); deleting any 2 consecutive bases within chr2:178,747,936-178,747,941 gives the same sequence; the position shown is the placement nearest the transcript's 3' end. VCF-style (leftmost placement, unchanged base first): chr2-178747935-AGT-A. GRCh37 (hg19) VCF-style: chr2-179612662-AGT-A.
Other names: c.14463_14464del, p.Leu4822fs (NM_133379.5); c.10222+5183AC[2] (NM_003319.4); c.10798+5183AC[2] (NM_133437.4); c.10597+5183AC[2] (NM_133432.3); c.10360+5183AC[2] (NM_133378.4, NM_001256850.1); short protein forms L4822fs.
Identifiers: ClinVar variation 3907899 (VCV003907899.1).